The following is an entry in ClinVar:

NM_030662.4(MAP2K2):c.580+5G>A

Gene: MAP2K2 (mitogen-activated protein kinase kinase 2; minus strand). Cytogenetic location: 19p13.3.
Variant type: single nucleotide variant.
Coding change: c.580+5G>A on transcript NM_030662.4 (MANE Select); 5 bases into the intron after coding-DNA position 580, G replaced by A.
Molecular consequence: intron variant.
Genome position (GRCh38, 1-based): chr19:4,101,224, C>T on the plus strand (G>A on the coding strand, the complement: MAP2K2 is on the minus strand). VCF-style: chr19-4101224-C-T. GRCh37 (hg19) VCF-style: chr19-4101222-C-T.
Identifiers: ClinVar variation 280460 (VCV000280460.3), dbSNP rs886041663, ClinGen allele CA10603647.

ClinVar aggregate classification (germline): Uncertain significance. Review status: criteria provided, multiple submitters, no conflicts (2 of 4 stars). 2 submissions from 2 submitters: Uncertain significance (2). Last evaluated 2025-06-18.

Conditions:
RASopathy. Also called: rasopathies; Noonan spectrum disorder. Identifiers: Orphanet 536391, MedGen C5555857, MONDO:0021060.

Submissions (2):

Labcorp Genetics (formerly Invitae), Labcorp
Classification: Uncertain significance for RASopathy. Last evaluated: 2025-06-18. Review status: criteria provided, single submitter. Criteria: Invitae Variant Classification Sherloc (09022015). Collection method: clinical testing. Allele origin: germline.
Comment: This sequence change falls in intron 5 of the MAP2K2 gene. It does not directly change the encoded amino acid sequence of the MAP2K2 protein. It affects a nucleotide within the consensus splice site. This variant is not present in population databases (gnomAD no frequency). This variant has not been reported in the literature in individuals affected with MAP2K2-related conditions. ClinVar contains an entry for this variant (Variation ID: 280460). Variants that disrupt the consensus splice site are a relatively common cause of aberrant splicing (PMID: 17576681, 9536098). Algorithms developed to predict the effect of sequence changes on RNA splicing suggest that this variant is not likely to affect RNA splicing. In summary, the available evidence is currently insufficient to determine the role of this variant in disease. Therefore, it has been classified as a Variant of Uncertain Significance.

GeneDx
Classification: Uncertain significance. Last evaluated: 2016-04-01. Review status: criteria provided, single submitter. Criteria: GeneDx Variant Classification (06012015). Collection method: clinical testing. Allele origin: germline. Affected: yes.
Comment: The c.580+5 G>A variant has not been published as a pathogenic variant, nor has it been reported as a benign variant to our knowledge. It was not observed in approximately 6,500 individuals of European and African American ancestry in the NHLBI Exome Sequencing Project, indicating it is not a common benign variant in these populations. Furthermore, this substitution occurs at a nucleotide position that is conserved across species. Although in silico analysis predicts this variant does not impact splicing, in the absence of functional mRNA studies, the physiological consequences of this variant cannot be precisely determined. Nevertheless, the majority of variants reported in the MAP2K2 gene in Human Gene Mutation Database, to date, are missense changes (Stenson et al., 2014), indicating haploinsufficiency of MAP2K2 may not be sufficient to cause disease.Therefore, based on the currently available information, it is unclear whether this variant is pathogenic or rare benign.

Literature cited by the submitters: PubMed 17576681 (cited by Labcorp Genetics (formerly Invitae), Labcorp); PubMed 9536098 (cited by Labcorp Genetics (formerly Invitae), Labcorp).